The following is an entry in ClinVar:

NM_004006.3(DMD):c.1396A>C (p.Lys466Gln)

Gene: DMD (dystrophin; minus strand). Cytogenetic location: Xp21.1.
Variant type: single nucleotide variant.
Coding change: c.1396A>C on transcript NM_004006.3 (MANE Select); coding-DNA position 1396, A replaced by C.
Protein change: p.Lys466Gln; replaces lysine 466 with glutamine.
Molecular consequence: missense variant.
Genome position (GRCh38, 1-based): chrX:32,614,389, T>G on the plus strand (A>C on the coding strand, the complement: DMD is on the minus strand). VCF-style: chrX-32614389-T-G. GRCh37 (hg19) VCF-style: chrX-32632506-T-G.
Other names: c.1372A>C, p.Lys458Gln (NM_000109.4); c.1384A>C, p.Lys462Gln (NM_004009.3); c.1027A>C, p.Lys343Gln (NM_004010.3); short protein forms K343Q, K462Q, K466Q, K458Q.
Identifiers: ClinVar variation 1363925 (VCV001363925.6), dbSNP rs2149350103, ClinGen allele CA412670090.
Genomic context (GRCh38, chrX:32,614,389, plus strand): 5'-GGTCTTCAAGATCAGGTCCAAGAGGCTCTTCCTCCATTTTCCTTGTTCTTTCTTCTGTTT[T>G]TGTTAGCCAGTCATTCAACTCTTTCAGTTTCTGATTCTGGAGATCCATTAAAACTCTATG-3'
Protein context (NP_003997.2, residues 456-476): KLKELNDWLT[Lys466Gln]TEERTRKMEE

ClinVar aggregate classification (germline): Uncertain significance (1 of 4 stars; one submission).

Conditions:
Duchenne muscular dystrophy (DMD). Also called: MUSCULAR DYSTROPHY, PSEUDOHYPERTROPHIC PROGRESSIVE, DUCHENNE TYPE; Duchenne Muscular Dystrophy (DMD). Identifiers: Orphanet 98896, MedGen C0013264, MONDO:0010679, OMIM 310200.

Submission:

Labcorp Genetics (formerly Invitae), Labcorp
Classification: Uncertain significance for Duchenne muscular dystrophy. Last evaluated: 2023-10-13. Review status: criteria provided, single submitter. Criteria: Invitae Variant Classification Sherloc (09022015). Collection method: clinical testing. Allele origin: germline.
Comment: This sequence change replaces lysine, which is basic and polar, with glutamine, which is neutral and polar, at codon 466 of the DMD protein (p.Lys466Gln). This variant is not present in population databases (gnomAD no frequency). This variant has not been reported in the literature in individuals affected with DMD-related conditions. ClinVar contains an entry for this variant (Variation ID: 1363925). Advanced modeling of protein sequence and biophysical properties (such as structural, functional, and spatial information, amino acid conservation, physicochemical variation, residue mobility, and thermodynamic stability) performed at Invitae indicates that this missense variant is not expected to disrupt DMD protein function. In summary, the available evidence is currently insufficient to determine the role of this variant in disease. Therefore, it has been classified as a Variant of Uncertain Significance.